The following is an entry in ClinVar:

NM_000088.4(COL1A1):c.616G>C (p.Gly206Arg)

Gene: COL1A1 (collagen type I alpha 1 chain; minus strand). Cytogenetic location: 17q21.33.
Variant type: single nucleotide variant.
Coding change: c.616G>C on transcript NM_000088.4 (MANE Select); coding-DNA position 616, G replaced by C.
Protein change: p.Gly206Arg; replaces glycine 206 with arginine.
Molecular consequence: missense variant.
Genome position (GRCh38, 1-based): chr17:50,197,975, C>G on the plus strand (G>C on the coding strand, the complement: COL1A1 is on the minus strand). VCF-style: chr17-50197975-C-G. GRCh37 (hg19) VCF-style: chr17-48275336-C-G.
Other names: short protein forms G206R.
Identifiers: ClinVar variation 4800899 (VCV004800899.1).
Genomic context (GRCh38, chr17:50,197,975, plus strand): 5'-AGAAGGAGTATGAATCTGTATAGAGAGTGCTTACTGAAGCTCCAGGCTCGCCAGGCTCAC[C>G]AGGGGGACCTTGGAAGCCTTGGGGACCCTTGAGAAGAAGGAAAAAGATGGGTTAGAAGAC-3'
Protein context (NP_000079.2, residues 196-216): PGPQGFQGPP[Gly206Arg]EPGEPGASGP

ClinVar aggregate classification (germline): Pathogenic (1 of 4 stars; one submission).

Conditions:
Osteogenesis imperfecta type I (OI1). Also called: OI, TYPE I; OSTEOGENESIS IMPERFECTA TARDA; OSTEOGENESIS IMPERFECTA WITH BLUE SCLERAE; Lobstein's Disease; Osteogenesis imperfecta type 1; Classic Non-deforming Osteogenesis Imperfecta with Blue Sclerae. Identifiers: Orphanet 216796, Orphanet 666, MedGen C0023931, MONDO:0008146, OMIM 166200. Disease mechanism: loss of function.

Submission:

Labcorp Genetics (formerly Invitae), Labcorp
Classification: Pathogenic for Osteogenesis imperfecta type I. Last evaluated: 2025-06-10. Review status: criteria provided, single submitter. Criteria: Invitae Variant Classification Sherloc (09022015). Collection method: clinical testing. Allele origin: germline.
Comment: This sequence change replaces glycine, which is neutral and non-polar, with arginine, which is basic and polar, at codon 206 of the COL1A1 protein (p.Gly206Arg). This variant is not present in population databases (gnomAD no frequency). This missense change has been observed in individual(s) with clinical features of osteogenesis imperfecta (internal data). Invitae Evidence Modeling of protein sequence and biophysical properties (such as structural, functional, and spatial information, amino acid conservation, physicochemical variation, residue mobility, and thermodynamic stability) indicates that this missense variant is expected to disrupt COL1A1 protein function with a positive predictive value of 95%. This variant disrupts the triple helix domain of COL1A1. Glycine residues within the Gly-Xaa-Yaa repeats of the triple helix domain are required for the structure and stability of fibrillar collagens (PMID: 7695699, 8218237, 19344236). In COL1A1, variants affecting these glycine residues are significantly enriched in individuals with disease (PMID: 9016532, 17078022) compared to the general population (ExAC). This variant disrupts the p.Gly206 amino acid residue in COL1A1. Other variant(s) that disrupt this residue have been observed in individuals with COL1A1-related conditions (PMID: 33470886, 37810882), which suggests that this may be a clinically significant amino acid residue. For these reasons, this variant has been classified as Pathogenic.

Literature cited by the submitters: PubMed 7695699; PubMed 8218237; PubMed 19344236; PubMed 9016532; PubMed 17078022; PubMed 33470886; PubMed 37810882.